The following is an entry in ClinVar:

NM_007078.3(LDB3):c.689+149A>G

Gene: LDB3 (LIM domain binding 3; plus strand). Cytogenetic location: 10q23.2.
Variant type: single nucleotide variant.
Coding change: c.689+149A>G on transcript NM_007078.3 (MANE Select); 149 bases into the intron after coding-DNA position 689, A replaced by G.
Molecular consequence: intron variant.
Genome position (GRCh38, 1-based): chr10:86,681,952, A>G. VCF-style: chr10-86681952-A-G. GRCh37 (hg19) VCF-style: chr10-88441709-A-G.
Other names: c.689+149A>G (NM_001368064.1, NM_001368063.1, NM_001171610.2 and 3 more transcripts); c.321+1795A>G (NM_001368068.1, NM_001368066.1, NM_001080114.2 and 2 more transcripts).
Identifiers: ClinVar variation 672519 (VCV000672519.1), dbSNP rs56165849, ClinGen allele CA13197978.

ClinVar aggregate classification (germline): Benign (1 of 4 stars; one submission).

Allele frequency attached by ClinVar (database versions not stated): gnomAD 0.49964 and 0.50958; TOPMed 0.50682; 1000 Genomes Project 30x 0.55028; 1000 Genomes Project 0.55591.
gnomAD v4.1: 419,625 of 776,438 alleles (54%); highest among the groups gnomAD compares: East Asian, 72%; 117,273 homozygotes.

Submission:

GeneDx
Classification: Benign. Last evaluated: 2018-06-14. Review status: criteria provided, single submitter. Criteria: GeneDx Variant Classification (06012015). Collection method: clinical testing. Allele origin: germline. Affected: yes.
Comment: This variant is considered likely benign or benign based on one or more of the following criteria: it is a conservative change, it occurs at a poorly conserved position in the protein, it is predicted to be benign by multiple in silico algorithms, and/or has population frequency not consistent with disease.